The following is an entry in ClinVar:

NM_014363.6(SACS):c.9625_9628del (p.Phe3209fs)

Gene: SACS (sacsin molecular chaperone; minus strand). Cytogenetic location: 13q12.12.
Variant type: Deletion.
Coding change: c.9625_9628del on transcript NM_014363.6 (MANE Select); coding-DNA positions 9625 to 9628, 4 bases deleted (TTTG; older notation c.9625_9628delTTTG).
Protein change: p.Phe3209fs; shifts the reading frame from phenylalanine 3209.
Molecular consequence: frameshift variant.
Genome position (GRCh38, 1-based): chr13:23,334,248-23,334,251, CAAA deleted on the plus strand (TTTG on the coding strand, the reverse complement: SACS is on the minus strand); deleting any 4 consecutive bases within chr13:23,334,248-23,334,253 gives the same sequence; the c. name uses the placement nearest the transcript's 3' end. VCF-style (leftmost placement, unchanged base first): chr13-23334247-TCAAA-T. GRCh37 (hg19) VCF-style: chr13-23908386-TCAAA-T.
Other names: c.9184_9187del, p.Phe3062fs (NM_001278055.2); c.9625_9628delTTTG (NM_014363.6); short protein forms F3062fs, F3209fs.
Identifiers: ClinVar variation 555098 (VCV000555098.4), dbSNP rs1555250557, ClinGen allele CA658823477.

ClinVar aggregate classification (germline): Pathogenic/Likely pathogenic. Review status: criteria provided, multiple submitters, no conflicts (2 of 4 stars). 3 submissions from 3 submitters: Pathogenic (1); Likely pathogenic (1). 1 of the submissions does not count toward it. Last evaluated 2022-07-07.

Conditions:
Charlevoix-Saguenay spastic ataxia (SACS). Also called: Spastic ataxia of Charlevoix-Saguenay; SPASTIC ATAXIA 6, AUTOSOMAL RECESSIVE; AUTOSOMAL RECESSIVE SPASTIC ATAXIA OF CHARLEVOIX-SAGUENAY. Identifiers: Orphanet 98, MedGen C1849140, MONDO:0010041, OMIM 270550.

Submissions (3):

Kariminejad - Najmabadi Pathology & Genetics Center
Classification: Likely pathogenic for Charlevoix-Saguenay spastic ataxia. Last evaluated: 2022-07-07. Review status: criteria provided, single submitter. Criteria: ACMG Guidelines, 2015. Collection method: clinical testing. Allele origin: germline. Inheritance: Autosomal recessive inheritance. Affected: yes.
Comment: PVS1-PM2

PROSPAX: an integrated multimodal progression  chart in spastic ataxias, Center for Neurology; Hertie-Institute for Clinical Brain Research
Classification: Pathogenic for Charlevoix-Saguenay spastic ataxia. Last evaluated: 2022-01-01. Review status: criteria provided, single submitter. Criteria: ACMG Guidelines, 2015. Collection method: research. Allele origin: germline. Affected: yes. Observed: 1 variant allele, 1 compound heterozygote.

Counsyl
Classification: Likely pathogenic for Charlevoix-Saguenay spastic ataxia. Last evaluated: 2017-11-17. Review status: no assertion criteria provided. Collection method: clinical testing. Allele origin: unknown. Not counted in ClinVar's aggregate classification.